The following is an entry in ClinVar:

NM_003014.4(SFRP4):c.854T>C (p.Ile285Thr)

Gene: SFRP4 (secreted frizzled related protein 4; minus strand). Cytogenetic location: 7p14.1.
Variant type: single nucleotide variant.
Coding change: c.854T>C on transcript NM_003014.4 (MANE Select); coding-DNA position 854, T replaced by C.
Protein change: p.Ile285Thr; replaces isoleucine 285 with threonine.
Molecular consequence: missense variant.
Genome position (GRCh38, 1-based): chr7:37,909,618, A>G on the plus strand (T>C on the coding strand, the complement: SFRP4 is on the minus strand). VCF-style: chr7-37909618-A-G. GRCh37 (hg19) VCF-style: chr7-37949220-A-G.
Other names: short protein forms I285T.
Identifiers: ClinVar variation 2079211 (VCV002079211.4), dbSNP rs2483692016, ClinGen allele CA367218642.

ClinVar aggregate classification (germline): Uncertain significance (1 of 4 stars; one submission).

Allele frequency attached by ClinVar (database versions not stated): gnomAD exomes 0.00001.
gnomAD v4.1: 19 of 1,551,986 alleles (0.0012%); highest among the groups gnomAD compares: Non-Finnish European, 0.0017%; no homozygotes.

Submission:

Labcorp Genetics (formerly Invitae), Labcorp
Classification: Uncertain significance. Last evaluated: 2022-08-06. Review status: criteria provided, single submitter. Criteria: Invitae Variant Classification Sherloc (09022015). Collection method: clinical testing. Allele origin: germline.
Comment: This sequence change replaces isoleucine, which is neutral and non-polar, with threonine, which is neutral and polar, at codon 285 of the SFRP4 protein (p.Ile285Thr). In summary, the available evidence is currently insufficient to determine the role of this variant in disease. Therefore, it has been classified as a Variant of Uncertain Significance. Algorithms developed to predict the effect of missense changes on protein structure and function output the following: SIFT: "Tolerated"; PolyPhen-2: "Benign"; Align-GVGD: "Class C0". The threonine amino acid residue is found in multiple mammalian species, which suggests that this missense change does not adversely affect protein function. This variant has not been reported in the literature in individuals affected with SFRP4-related conditions. This variant is not present in population databases (gnomAD no frequency).